The following is an entry in ClinVar:

NM_001371986.1(UNC80):c.8109G>T (p.Leu2703=)

Gene: UNC80 (unc-80 subunit of NALCN channel complex; plus strand). Cytogenetic location: 2q34.
Variant type: single nucleotide variant.
Coding change: c.8109G>T on transcript NM_001371986.1 (MANE Select); coding-DNA position 8109, G replaced by T.
Protein change: p.Leu2703=; no amino-acid change (leucine 2703 retained).
Molecular consequence: synonymous variant.
Genome position (GRCh38, 1-based): chr2:209,969,870, G>T. VCF-style: chr2-209969870-G-T. GRCh37 (hg19) VCF-style: chr2-210834594-G-T.
Other names: c.7911G>T, p.Leu2637= (NM_032504.2); c.7896G>T, p.Leu2632= (NM_182587.4); c.7911G>T (NM_032504.1).
Identifiers: ClinVar variation 1609006 (VCV001609006.10), dbSNP rs2125011075, ClinGen allele CA431099466.
Genomic context (GRCh38, chr2:209,969,870, plus strand): 5'-GGTTTGTTTGACACTTCAGAGGCAGCCAATCATATCCTTCCTGCCTCACCTTAGGTCACT[G>T]ATCAATGTCTGTGTCAATCTGGTGAGTAGCCAAGTGGCAATCTTATGAAACTTTGCACAA-3'
Protein context (NP_001358915.1, residues 2693-2713): IISFLPHLRS[Leu2703=]INVCVNLVMG

ClinVar aggregate classification (germline): Likely benign. Review status: criteria provided, single submitter (1 of 4 stars). 2 submissions from 2 submitters: Likely benign (1). 1 of the submissions does not count toward it. Last evaluated 2023-07-17.

Conditions:
UNC80-related disorder. Also called: UNC80-related condition.

gnomAD v4.1: 2 of 1,551,806 alleles (0.00013%); highest among the groups gnomAD compares: Non-Finnish European, 0.00017%; no homozygotes.

Submissions (2):

Labcorp Genetics (formerly Invitae), Labcorp
Classification: Likely benign. Last evaluated: 2023-07-17. Review status: criteria provided, single submitter. Criteria: Invitae Variant Classification Sherloc (09022015). Collection method: clinical testing. Allele origin: germline.

PreventionGenetics, part of Exact Sciences
Classification: Likely benign for UNC80-related condition. Last evaluated: 2023-06-27. Review status: no assertion criteria provided. Collection method: clinical testing. Allele origin: germline. Not counted in ClinVar's aggregate classification.
Comment: This variant is classified as likely benign based on ACMG/AMP sequence variant interpretation guidelines (Richards et al. 2015 PMID: 25741868, with internal and published modifications).